The following is an entry in ClinVar:

ClinVar aggregate classification (germline): Likely pathogenic. Review status: criteria provided, multiple submitters, no conflicts (2 of 4 stars). 3 submissions from 3 submitters: Likely pathogenic (3). Last evaluated 2025-05-16.

Conditions:
Autosomal dominant Alport syndrome (ATS3A). Also called: Alport syndrome dominant type; Renal failure and sensorineural hearing loss; ALPORT SYNDROME 3A, AUTOSOMAL DOMINANT. Identifiers: Orphanet 63, Orphanet 88918, MedGen C5882663, MONDO:0007086, OMIM 104200.
Hematuria, benign familial, 2 (BFH2). Identifiers: MedGen C5830421, MONDO:0958186, OMIM 620320.
Alport syndrome 3b, autosomal recessive. Identifiers: MedGen C5882699, MONDO:0957811, OMIM 620536.
Autosomal recessive Alport syndrome (ATS2). Also called: COL4A4 Alport Syndrome and Thin Basement Membrane Nephropathy; Alport syndrome type 2; ALPORT SYNDROME 2, AUTOSOMAL RECESSIVE; COL4A3-Related Nephropathy. Identifiers: Orphanet 63, Orphanet 88919, MedGen C4746745, MONDO:0008762, OMIM 203780.

Submissions (3):

Women's Health and Genetics/Laboratory Corporation of America, LabCorp
Classification: Likely pathogenic for Autosomal recessive Alport syndrome. Last evaluated: 2025-05-16. Review status: criteria provided, single submitter. Criteria: LabCorp Variant Classification Summary - May 2015. Collection method: clinical testing. Allele origin: germline.
Comment: Variant summary: COL4A3 c.234+1delG is located in a canonical splice-site and is predicted to affect mRNA splicing resulting in a significantly altered protein due to either exon skipping, shortening, or inclusion of intronic material. Variants that disrupt the consensus splice site are a relatively common cause of aberrant splicing and loss of COL4A3 function. Several computational tools predict a significant impact on normal splicing: Four predict the variant abolishes a 5' splicing donor site. Four predict the variant creates a 5' donor site. However, these predictions have yet to be confirmed by functional studies. The variant allele was found at a frequency of 3.7e-06 in 1608558 control chromosomes. To our knowledge, no occurrence of c.234+1delG in individuals affected with Alport Syndrome, Autosomal Recessive and no experimental evidence demonstrating its impact on protein function have been reported. ClinVar contains an entry for this variant (Variation ID: 3585964). Based on the evidence outlined above, the variant was classified as likely pathogenic.

GeneDx
Classification: Likely pathogenic. Last evaluated: 2024-11-20. Review status: criteria provided, single submitter. Criteria: GeneDx Variant Classification Process June 2021. Collection method: clinical testing. Allele origin: germline. Affected: yes.
Comment: Canonical splice site variant predicted to result in in-frame deletion within a critical region. Variant damages or destroys the canonical splice donor site in intron 3, and is expected to cause abnormal gene splicing; if the splice outcome is exon skip, the loss of the encoded residues in the triple helical region is expected to disrupt normal protein folding and function; Not observed at significant frequency in large population cohorts (gnomAD); Has not been previously published as pathogenic or benign to our knowledge

Fulgent Genetics
Classification: Likely pathogenic for Autosomal dominant Alport syndrome; Hematuria, benign familial, 2; Alport syndrome 3b, autosomal recessive. Last evaluated: 2024-03-28. Review status: criteria provided, single submitter. Criteria: ACMG Guidelines, 2015. Collection method: clinical testing. Allele origin: germline.

NM_000091.5(COL4A3):c.234+1del

Genes: MFF-DT (MFF divergent transcript; minus strand), COL4A3 (collagen type IV alpha 3 chain; plus strand). Cytogenetic location: 2q36.3.
Variant type: Deletion.
Coding change: c.234+1del on transcript NM_000091.5 (MANE Select); the canonical splice donor site of the intron after coding-DNA position 234, one base deleted (G; older notation c.234+1delG).
Molecular consequence: splice donor variant.
Genome position (GRCh38, 1-based): chr2:227,240,233, G deleted; the last of 2 consecutive G bases (chr2:227,240,232-227,240,233); deleting either gives the same sequence. VCF-style (leftmost placement, unchanged base first): chr2-227240231-AG-A. GRCh37 (hg19) VCF-style: chr2-228104947-AG-A.
Other names: c.234+1delG (NM_000091.5); c.234del (NM_000091.5).
Identifiers: ClinVar variation 3585964 (VCV003585964.3).
Genomic context (GRCh38, chr2:227,240,231, plus strand): 5'-GTTCTCCTGGCCAGAAAGGATTCACAGGTCCTGAAGGCTTGCCTGGACCGCAGGGACCCA[AG>A]GTATGTCATCCTGCAAGCTTGGAAAATCCCCAACCCACCTAACCCTCTTCCTGCCTACCC-3'